The following is an entry in ClinVar:

NM_152703.5(SAMD9L):c.3218C>G (p.Ala1073Gly)

Gene: SAMD9L (sterile alpha motif domain containing 9 like; minus strand). Cytogenetic location: 7q21.2.
Variant type: single nucleotide variant.
Coding change: c.3218C>G on transcript NM_152703.5 (MANE Select); coding-DNA position 3218, C replaced by G.
Protein change: p.Ala1073Gly; replaces alanine 1073 with glycine.
Molecular consequence: missense variant.
Genome position (GRCh38, 1-based): chr7:93,132,754, G>C on the plus strand (C>G on the coding strand, the complement: SAMD9L is on the minus strand). VCF-style: chr7-93132754-G-C. GRCh37 (hg19) VCF-style: chr7-92762067-G-C.
Other names: c.3218C>G, p.Ala1073Gly (NM_001350085.2, NM_001303496.3, NM_001303497.3 and 5 more transcripts); short protein forms A1073G.
Identifiers: ClinVar variation 4159250 (VCV004159250.1).
Genomic context (GRCh38, chr7:93,132,754, plus strand): 5'-TAGAAATGTCTTGCTAAGGCTTGACAAATGAATGCATTTTGTGGGAATCGTCTACTTCCT[G>C]CACTCAAGACCTTTTCAATGTCTTTATTCTGTAAAGCTTCCATTAATGGGGAAAACAGAG-3'
Protein context (NP_689916.2, residues 1063-1083): QNKDIEKVLS[Ala1073Gly]GSRRFPQNAF

ClinVar aggregate classification (germline): Uncertain significance (1 of 4 stars; one submission).

Conditions:
Inborn genetic diseases. Identifiers: MedGen C0950123, MeSH D030342.

gnomAD v4.1: 1 of 1,613,698 alleles (0.000062%); highest among the groups gnomAD compares: African/African-American, 0.0013%; no homozygotes.

Submission:

Ambry Genetics
Classification: Uncertain significance for Inborn genetic diseases. Last evaluated: 2025-06-21. Review status: criteria provided, single submitter. Criteria: Ambry Variant Classification Scheme 2023. Collection method: clinical testing. Allele origin: germline.
Comment: The p.A1073G variant (also known as c.3218C>G), located in coding exon 1 of the SAMD9L gene, results from a C to G substitution at nucleotide position 3218. The alanine at codon 1073 is replaced by glycine, an amino acid with similar properties. This amino acid position is conserved. In addition, this alteration is predicted to be tolerated by in silico analysis. Based on the available evidence, the clinical significance of this variant remains unclear.